The following is an entry in ClinVar:

NM_001365536.1(SCN9A):c.2991G>C (p.Lys997Asn)

Genes: SCN9A (sodium voltage-gated channel alpha subunit 9; minus strand), SCN1A-AS1 (SCN1A and SCN9A antisense RNA 1; plus strand). Cytogenetic location: 2q24.3.
Variant type: single nucleotide variant.
Coding change: c.2991G>C on transcript NM_001365536.1 (MANE Select); coding-DNA position 2991, G replaced by C.
Protein change: p.Lys997Asn; replaces lysine 997 with asparagine.
Molecular consequence: missense variant.
Genome position (GRCh38, 1-based): chr2:166,272,759, C>G on the plus strand (G>C on the coding strand, the complement: SCN9A is on the minus strand). VCF-style: chr2-166272759-C-G. GRCh37 (hg19) VCF-style: chr2-167129269-C-G.
Other names: c.2958G>C, p.Lys986Asn (NM_002977.4); short protein forms K986N, K997N.
Identifiers: ClinVar variation 1929737 (VCV001929737.5), dbSNP rs747287072, ClinGen allele CA349074557.

ClinVar aggregate classification (germline): Uncertain significance (1 of 4 stars; one submission).

Conditions:
Generalized epilepsy with febrile seizures plus, type 7 (GEFSP7). Also called: GEFS+, TYPE 7. Identifiers: Orphanet 36387, MedGen C2751778, MONDO:0013470, OMIM 613863.
Neuropathy, hereditary sensory and autonomic, type 2A (HSAN2A). Also called: ACROOSTEOLYSIS, GIACCAI TYPE; ACROOSTEOLYSIS, NEUROGENIC; WNK1-Related HSAN2 (HSAN2A); MORVAN DISEASE; NEUROPATHY, CONGENITAL SENSORY; NEUROPATHY, HEREDITARY SENSORY RADICULAR, AUTOSOMAL RECESSIVE. Identifiers: Orphanet 970, MedGen C2752089, MONDO:0024309, OMIM 201300.

Submission:

Labcorp Genetics (formerly Invitae), Labcorp
Classification: Uncertain significance for Neuropathy, hereditary sensory and autonomic, type 2A; Generalized epilepsy with febrile seizures plus, type 7. Last evaluated: 2021-12-18. Review status: criteria provided, single submitter. Criteria: Invitae Variant Classification Sherloc (09022015). Collection method: clinical testing. Allele origin: germline.
Comment: This variant is not present in population databases (gnomAD no frequency). This variant has not been reported in the literature in individuals affected with SCN9A-related conditions. Algorithms developed to predict the effect of missense changes on protein structure and function are either unavailable or do not agree on the potential impact of this missense change (SIFT: "Deleterious"; PolyPhen-2: "Benign"; Align-GVGD: "Class C0"). In summary, the available evidence is currently insufficient to determine the role of this variant in disease. Therefore, it has been classified as a Variant of Uncertain Significance. This sequence change replaces lysine, which is basic and polar, with asparagine, which is neutral and polar, at codon 986 of the SCN9A protein (p.Lys986Asn).